The following is an entry in ClinVar:

ClinVar aggregate classification (germline): Likely pathogenic. Review status: criteria provided, single submitter (1 of 4 stars). 2 submissions from 2 submitters: Likely pathogenic (1). 1 of the submissions does not count toward it. Last evaluated 2025-10-13.

Conditions:
Congenital hyperammonemia, type I. Also called: Carbamoyl phosphate synthetase 1 deficiency; Hyperammonemia due to carbamoyl phosphate synthetase 1 deficiency; CPS 1 deficiency; Carbamyl phosphate synthetase (CPS) deficiency; Carbamoyl-phosphate synthase I deficiency; Carbamoyl phosphate synthetase I deficiency disease. Identifiers: Orphanet 147, MedGen C4082171, MONDO:0009376, OMIM 237300.

gnomAD v4.1: 1 of 1,611,436 alleles (0.000062%); highest among the groups gnomAD compares: African/African-American, 0.0013%; no homozygotes.

Submissions (2):

Labcorp Genetics (formerly Invitae), Labcorp
Classification: Likely pathogenic for Congenital hyperammonemia, type I. Last evaluated: 2025-10-13. Review status: criteria provided, single submitter. Criteria: Invitae Variant Classification Sherloc (09022015). Collection method: clinical testing. Allele origin: germline.
Comment: This sequence change affects a donor splice site in intron 33 of the CPS1 gene. It is expected to disrupt RNA splicing. Variants that disrupt the donor or acceptor splice site typically lead to a loss of protein function (PMID: 16199547), and loss-of-function variants in CPS1 are known to be pathogenic (PMID: 21120950). This variant is not present in population databases (gnomAD no frequency). This variant has not been reported in the literature in individuals affected with CPS1-related conditions. ClinVar contains an entry for this variant (Variation ID: 555063). Algorithms developed to predict the effect of sequence changes on RNA splicing suggest that this variant may disrupt the consensus splice site. In summary, the currently available evidence indicates that the variant is pathogenic, but additional data are needed to prove that conclusively. Therefore, this variant has been classified as Likely Pathogenic.

Counsyl
Classification: Likely pathogenic for Congenital hyperammonemia, type I. Last evaluated: 2017-11-13. Review status: no assertion criteria provided. Collection method: clinical testing. Allele origin: unknown. Not counted in ClinVar's aggregate classification.

Literature cited by the submitters: PubMed 16199547 (cited by Labcorp Genetics (formerly Invitae), Labcorp); PubMed 21120950 (cited by Labcorp Genetics (formerly Invitae), Labcorp).

NM_001875.5(CPS1):c.4002+2T>A

Gene: CPS1 (carbamoyl-phosphate synthase 1; plus strand). Cytogenetic location: 2q34.
Variant type: single nucleotide variant.
Coding change: c.4002+2T>A on transcript NM_001875.5 (MANE Select); the canonical splice donor site of the intron after coding-DNA position 4002, T replaced by A.
Molecular consequence: splice donor variant.
Genome position (GRCh38, 1-based): chr2:210,663,199, T>A. VCF-style: chr2-210663199-T-A. GRCh37 (hg19) VCF-style: chr2-211527923-T-A.
Other names: c.4002+2T>A (NM_001369257.1, NM_001122633.3); c.4035+2T>A (NM_001369256.1).
Identifiers: ClinVar variation 555063 (VCV000555063.7), dbSNP rs1553518395, ClinGen allele CA350439412.